The following is an entry in ClinVar:

ClinVar aggregate classification (germline): Benign/Likely benign. Review status: criteria provided, multiple submitters, no conflicts (2 of 4 stars). 8 submissions from 8 submitters: Benign (5); Likely benign (2). 1 of the submissions does not count toward it. Last evaluated 2026-02-01.

Conditions:
Polycystic kidney disease 4 (PKD4). Also called: POLYCYSTIC KIDNEY DISEASE 4 WITH OR WITHOUT POLYCYSTIC LIVER DISEASE; Autosomal Recessive Polycystic Kidney Disease – PKHD1; POLYCYSTIC KIDNEY AND HEPATIC DISEASE 1; POLYCYSTIC KIDNEY DISEASE, INFANTILE, TYPE I; PKD3. Identifiers: MedGen C4540575, MONDO:0033004, OMIM 263200.
Autosomal recessive polycystic kidney disease (ARPKD). Also called: AR polycystic kidney disease. Identifiers: Orphanet 731, Orphanet 8378, MedGen C0085548, MeSH D017044, MONDO:0009889.

Allele frequency attached by ClinVar (database versions not stated): gnomAD 0.01071 and 0.01004; TOPMed 0.01138; ESP Exome Variant Server 0.01230; 1000 Genomes Project 30x 0.01234; gnomAD exomes 0.00107 and 0.00276; ExAC 0.00347; 1000 Genomes Project 0.01038.

Submissions (8):

Labcorp Genetics (formerly Invitae), Labcorp
Classification: Benign for Autosomal recessive polycystic kidney disease. Last evaluated: 2026-02-01. Review status: criteria provided, single submitter. Criteria: Invitae Variant Classification Sherloc (09022015). Collection method: clinical testing. Allele origin: germline.

GeneDx
Classification: Likely benign. Last evaluated: 2021-01-22. Review status: criteria provided, single submitter. Criteria: GeneDx Variant Classification Process June 2021. Collection method: clinical testing. Allele origin: germline. Affected: yes.

Department of Pathology and Laboratory Medicine, Sinai Health System
Classification: Benign for Polycystic kidney disease 4. Last evaluated: 2020-06-29. Review status: criteria provided, single submitter. Criteria: ACMG Guidelines, 2015. Collection method: clinical testing. Allele origin: germline. Affected: yes.

Mayo Clinic Laboratories, Mayo Clinic
Classification: Benign. Last evaluated: 2018-08-31. Review status: criteria provided, single submitter. Criteria: ACMG Guidelines, 2015. Collection method: clinical testing. Allele origin: germline. Observed: 8 variant alleles.

Women's Health and Genetics/Laboratory Corporation of America, LabCorp
Classification: Benign. Last evaluated: 2016-08-09. Review status: criteria provided, single submitter. Criteria: LabCorp Variant Classification Summary - May 2015. Collection method: clinical testing. Allele origin: germline.
Comment: Variant summary: The PKHD1 c.3876C>T (p.Thr1292Thr) variant involves the alteration of a non-conserved nucleotide, resulting in a synonymous change. This variant was found in 419/120698 control chromosomes (including 9 homozygotes), predominantly observed in the African subpopulation at a frequency of 0.035141 (359/10216). This frequency is about 5 times the estimated maximal expected allele frequency of a pathogenic PKHD1 variant (0.0070711), suggesting this is a benign polymorphism found primarily in the populations of African origin. In addition, one clinical diagnostic laboratory has classified this variant as benign. Taken together, this variant is classified as Benign.

Breakthrough Genomics
Classification: Likely benign. Review status: criteria provided, single submitter. Criteria: ACMG Guidelines, 2015. Collection method: not provided. Allele origin: germline. Inheritance: Autosomal recessive inheritance. Affected: yes.

PreventionGenetics, part of Exact Sciences
Classification: Benign. Review status: criteria provided, single submitter. Criteria: ACMG Guidelines, 2015. Collection method: clinical testing. Allele origin: germline.

Natera, Inc.
Classification: Benign for Autosomal recessive polycystic kidney disease. Last evaluated: 2017-05-11. Review status: no assertion criteria provided. Collection method: clinical testing. Allele origin: germline. Not counted in ClinVar's aggregate classification.

NM_138694.4(PKHD1):c.3876C>T (p.Thr1292=)

Gene: PKHD1 (PKHD1 ciliary IPT domain containing fibrocystin/polyductin; minus strand). Cytogenetic location: 6p12.2.
Variant type: single nucleotide variant.
Coding change: c.3876C>T on transcript NM_138694.4 (MANE Select); coding-DNA position 3876, C replaced by T.
Protein change: p.Thr1292=; no amino-acid change (threonine 1292 retained).
Molecular consequence: synonymous variant.
Genome position (GRCh38, 1-based): chr6:52,025,934, G>A on the plus strand (C>T on the coding strand, the complement: PKHD1 is on the minus strand). VCF-style: chr6-52025934-G-A. GRCh37 (hg19) VCF-style: chr6-51890732-G-A.
Other names: p.Thr1292=; c.3876C>T, p.Thr1292= (NM_170724.3).
Identifiers: ClinVar variation 241845 (VCV000241845.22), dbSNP rs2499482, ClinGen allele CA3852817.